The following is an entry in ClinVar:

NM_006231.4(POLE):c.2341G>T (p.Ala781Ser)

Gene: POLE (DNA polymerase epsilon, catalytic subunit; minus strand). Cytogenetic location: 12q24.33.
Variant type: single nucleotide variant.
Coding change: c.2341G>T on transcript NM_006231.4 (MANE Select); coding-DNA position 2341, G replaced by T.
Protein change: p.Ala781Ser; replaces alanine 781 with serine.
Molecular consequence: missense variant.
Genome position (GRCh38, 1-based): chr12:132,665,429, C>A on the plus strand (G>T on the coding strand, the complement: POLE is on the minus strand). VCF-style: chr12-132665429-C-A. GRCh37 (hg19) VCF-style: chr12-133242015-C-A.
Other names: c.2341G>T (NM_006231.2); short protein forms A781S.
Identifiers: ClinVar variation 1486125 (VCV001486125.10), dbSNP rs2135962208, ClinGen allele CA387397905.

ClinVar aggregate classification (germline): Uncertain significance. Review status: criteria provided, multiple submitters, no conflicts (2 of 4 stars). 3 submissions from 3 submitters: Uncertain significance (3). Last evaluated 2026-03-24.

Conditions:
Hereditary cancer-predisposing syndrome. Also called: Tumor predisposition; Neoplastic Syndromes, Hereditary; Hereditary Cancer Syndrome; Hereditary neoplastic syndrome. Identifiers: Orphanet 140162, MedGen C0027672, MeSH D009386, MONDO:0015356.

Submissions (3):

Ambry Genetics
Classification: Uncertain significance for Hereditary cancer-predisposing syndrome. Last evaluated: 2026-03-24. Review status: criteria provided, single submitter. Criteria: Ambry Variant Classification Scheme 2023. Collection method: clinical testing. Allele origin: germline.
Comment: The p.A781S variant (also known as c.2341G>T), located in coding exon 21 of the POLE gene, results from a G to T substitution at nucleotide position 2341. The alanine at codon 781 is replaced by serine, an amino acid with similar properties. This amino acid position is conserved. In addition, this alteration is predicted to be tolerated by in silico analysis. Based on the available evidence, the clinical significance of this variant remains unclear.

Center for Genomic Medicine, Rigshospitalet, Copenhagen University Hospital
Classification: Uncertain significance. Last evaluated: 2025-12-29. Review status: criteria provided, single submitter. Criteria: ACMG Guidelines, 2015. Collection method: clinical testing. Allele origin: germline.

Labcorp Genetics (formerly Invitae), Labcorp
Classification: Uncertain significance. Last evaluated: 2025-09-03. Review status: criteria provided, single submitter. Criteria: Invitae Variant Classification Sherloc (09022015). Collection method: clinical testing. Allele origin: germline.
Comment: This sequence change replaces alanine, which is neutral and non-polar, with serine, which is neutral and polar, at codon 781 of the POLE protein (p.Ala781Ser). This variant is not present in population databases (gnomAD no frequency). This variant has not been reported in the literature in individuals affected with POLE-related conditions. ClinVar contains an entry for this variant (Variation ID: 1486125). Invitae Evidence Modeling of protein sequence and biophysical properties (such as structural, functional, and spatial information, amino acid conservation, physicochemical variation, residue mobility, and thermodynamic stability) indicates that this missense variant is not expected to disrupt POLE protein function with a negative predictive value of 80%. In summary, the available evidence is currently insufficient to determine the role of this variant in disease. Therefore, it has been classified as a Variant of Uncertain Significance.